The following is an entry in ClinVar:

ClinVar aggregate classification (germline): Uncertain significance (1 of 4 stars; one submission).

Submission:

Labcorp Genetics (formerly Invitae), Labcorp
Classification: Uncertain significance. Last evaluated: 2023-11-10. Review status: criteria provided, single submitter. Criteria: Invitae Variant Classification Sherloc (09022015). Collection method: clinical testing. Allele origin: germline.
Comment: This sequence change creates a premature translational stop signal (p.Lys436Asnfs*13) in the SAMD9L gene. While this is not anticipated to result in nonsense mediated decay, it is expected to disrupt the last 1149 amino acid(s) of the SAMD9L protein. This variant is present in population databases (no rsID available, gnomAD 0.006%). This variant has not been reported in the literature in individuals affected with SAMD9L-related conditions. Experimental studies and prediction algorithms are not available or were not evaluated, and the functional significance of this variant is currently unknown. In summary, the available evidence is currently insufficient to determine the role of this variant in disease. Therefore, it has been classified as a Variant of Uncertain Significance.

NM_152703.5(SAMD9L):c.1308_1317del (p.Lys436fs)

Gene: SAMD9L (sterile alpha motif domain containing 9 like; minus strand). Cytogenetic location: 7q21.2.
Variant type: Deletion.
Coding change: c.1308_1317del on transcript NM_152703.5 (MANE Select); coding-DNA positions 1308 to 1317, 10 bases deleted (AGAAATTAAA; older notation c.1308_1317delAGAAATTAAA).
Protein change: p.Lys436fs; shifts the reading frame from lysine 436.
Molecular consequence: frameshift variant.
Genome position (GRCh38, 1-based): chr7:93,134,655-93,134,664, TTTAATTTCT deleted on the plus strand (AGAAATTAAA on the coding strand, the reverse complement: SAMD9L is on the minus strand); deleting any 10 consecutive bases within chr7:93,134,655-93,134,669 gives the same sequence; the c. name uses the placement nearest the transcript's 3' end. VCF-style (leftmost placement, unchanged base first): chr7-93134654-ATTTAATTTCT-A. GRCh37 (hg19) VCF-style: chr7-92763967-ATTTAATTTCT-A.
Other names: c.1308_1317del, p.Lys436fs (NM_001303496.3, NM_001303497.3, NM_001303498.3 and 5 more transcripts); short protein forms K436fs.
Identifiers: ClinVar variation 3003609 (VCV003003609.3), dbSNP rs1562793995, ClinGen allele CA576706848.